The following is an entry in ClinVar:

NM_004145.4(MYO9B):c.167G>A (p.Arg56Gln)

Gene: MYO9B (myosin IXB; plus strand). Cytogenetic location: 19p13.11.
Variant type: single nucleotide variant.
Coding change: c.167G>A on transcript NM_004145.4 (MANE Select); coding-DNA position 167, G replaced by A.
Protein change: p.Arg56Gln; replaces arginine 56 with glutamine.
Molecular consequence: missense variant.
Genome position (GRCh38, 1-based): chr19:17,101,884, G>A. VCF-style: chr19-17101884-G-A. GRCh37 (hg19) VCF-style: chr19-17212694-G-A.
Other names: c.167G>A, p.Arg56Gln (NM_001130065.2); c.167G>A (NM_001130065.1); short protein forms R56Q.
Identifiers: ClinVar variation 781444 (VCV000781444.7), dbSNP rs35218876, ClinGen allele CA9286905.

ClinVar aggregate classification (germline): Benign/Likely benign. Review status: criteria provided, multiple submitters, no conflicts (2 of 4 stars). 3 submissions from 3 submitters: Benign (1); Likely benign (1). 1 of the submissions does not count toward it. Last evaluated 2022-04-13.

Conditions:
Celiac disease, susceptibility to, 4 (CELIAC4). Also called: GLUTEN-SENSITIVE ENTEROPATHY, SUSCEPTIBILITY TO, 4. Identifiers: MedGen C1857847, MONDO:0012339, OMIM 609753.
MYO9B-related disorder. Also called: MYO9B-related condition.

Allele frequency attached by ClinVar (database versions not stated): gnomAD exomes 0.00107 and 0.00248; gnomAD 0.01191 and 0.01083; 1000 Genomes Project 0.00919; 1000 Genomes Project 30x 0.00984; ESP Exome Variant Server 0.01111; ExAC 0.00326; TOPMed 0.01200.
gnomAD v4.1: 3,252 of 1,613,414 alleles (0.2%); highest among the groups gnomAD compares: African/African-American, 3.8%; 56 homozygotes.

Submissions (3):

Fulgent Genetics
Classification: Likely benign for Celiac disease, susceptibility to, 4. Last evaluated: 2022-04-13. Review status: criteria provided, single submitter. Criteria: ACMG Guidelines, 2015. Collection method: clinical testing. Allele origin: unknown.

Labcorp Genetics (formerly Invitae), Labcorp
Classification: Benign. Last evaluated: 2019-12-31. Review status: criteria provided, single submitter. Criteria: Invitae Variant Classification Sherloc (09022015). Collection method: clinical testing. Allele origin: germline.

PreventionGenetics, part of Exact Sciences
Classification: Benign for MYO9B-related condition. Last evaluated: 2020-01-20. Review status: no assertion criteria provided. Collection method: clinical testing. Allele origin: germline. Not counted in ClinVar's aggregate classification.
Comment: This variant is classified as benign based on ACMG/AMP sequence variant interpretation guidelines (Richards et al. 2015 PMID: 25741868, with internal and published modifications).